The following is an entry in ClinVar:

ClinVar aggregate classification (germline): Likely pathogenic (1 of 4 stars; one submission).

Conditions:
Maple syrup urine disease (MSUD). Identifiers: Orphanet 511, MedGen C0024776, MeSH D008375, MONDO:0009563. Disease mechanism: loss of function.

Submission:

Myriad Genetics, Inc.
Classification: Likely pathogenic for Maple syrup urine disease type 1A. Last evaluated: 2022-03-31. Review status: criteria provided, single submitter. Criteria: Myriad Women's Health Autosomal Recessive and X-Linked Classification Criteria (2021). Collection method: clinical testing. Allele origin: unknown.
Comment: NM_001918.3(DBT):c.743_744delCA(T248Rfs*32) is expected to be pathogenic in the context of maple syrup urine disease type II. This variant is predicted to lead to an abnormal or absent protein product due to the creation of a premature termination codon in DBT, a gene where loss-of-function variants are known to be pathogenic. Please note: this variant was assessed in the context of healthy population screening.

NM_001918.5(DBT):c.743_744del (p.Thr248fs)

Gene: DBT (dihydrolipoamide branched chain transacylase E2; minus strand). Cytogenetic location: 1p21.2.
Variant type: Microsatellite.
Coding change: c.743_744del on transcript NM_001918.5 (MANE Select); coding-DNA positions 743 to 744, 2 bases deleted (CA; older notation c.743_744delCA).
Protein change: p.Thr248fs; shifts the reading frame from threonine 248.
Molecular consequence: frameshift variant. On other transcripts: non-coding transcript variant (3).
Genome position (GRCh38, 1-based): chr1:100,216,011-100,216,012, TG deleted on the plus strand (CA on the coding strand, the reverse complement: DBT is on the minus strand); deleting any 2 consecutive bases within chr1:100,216,011-100,216,014 gives the same sequence; the c. name uses the placement nearest the transcript's 3' end. VCF-style (leftmost placement, unchanged base first): chr1-100216010-CTG-C. GRCh37 (hg19) VCF-style: chr1-100681566-CTG-C.
Other names: c.200_201del, p.Thr67fs (NM_001399969.1, NM_001399972.1); short protein forms T248fs, T67fs.
Identifiers: ClinVar variation 1725764 (VCV001725764.2), dbSNP rs2524153541, ClinGen allele CA2580611184.